The following is an entry in ClinVar:

NM_078480.3(PUF60):c.1021G>A (p.Gly341Arg)

Gene: PUF60 (poly(U) binding splicing factor 60; minus strand). Cytogenetic location: 8q24.3.
Variant type: single nucleotide variant.
Coding change: c.1021G>A on transcript NM_078480.3 (MANE Select); coding-DNA position 1021, G replaced by A.
Protein change: p.Gly341Arg; replaces glycine 341 with arginine.
Molecular consequence: missense variant.
Genome position (GRCh38, 1-based): chr8:143,817,454, C>T on the plus strand (G>A on the coding strand, the complement: PUF60 is on the minus strand). VCF-style: chr8-143817454-C-T. GRCh37 (hg19) VCF-style: chr8-144899624-C-T.
Other names: c.892G>A, p.Gly298Arg (NM_001136033.3); c.967G>A, p.Gly323Arg (NM_001271096.2); c.883G>A, p.Gly295Arg (NM_001271097.2); c.1018G>A, p.Gly340Arg (NM_001271098.2); c.934G>A, p.Gly312Arg (NM_001271099.2); c.841G>A, p.Gly281Arg (NM_001271100.2); c.1132G>A, p.Gly378Arg (NM_001362895.2, NM_001362896.2); c.1081G>A, p.Gly361Arg (NM_001362897.2); and 1 more; short protein forms G281R, G295R, G298R, G312R, G323R, G324R, G340R, G341R.
Identifiers: ClinVar variation 2662706 (VCV002662706.1), dbSNP rs2538853643, ClinGen allele CA372488761.

ClinVar aggregate classification (germline): Likely pathogenic (1 of 4 stars; one submission).

Submission:

GeneDx
Classification: Likely pathogenic. Last evaluated: 2023-10-03. Review status: criteria provided, single submitter. Criteria: GeneDx Variant Classification Process June 2021. Collection method: clinical testing. Allele origin: germline. Affected: yes.
Comment: Not observed at significant frequency in large population cohorts (gnomAD); In silico analysis supports that this missense variant does not alter protein structure/function; Has not been previously published as pathogenic or benign to our knowledge